The following is an entry in ClinVar:

NM_002471.4(MYH6):c.1502A>T (p.Glu501Val)

Gene: MYH6 (myosin heavy chain 6; minus strand). Cytogenetic location: 14q11.2.
Variant type: single nucleotide variant.
Coding change: c.1502A>T on transcript NM_002471.4 (MANE Select); coding-DNA position 1502, A replaced by T.
Protein change: p.Glu501Val; replaces glutamic acid 501 with valine.
Molecular consequence: missense variant.
Genome position (GRCh38, 1-based): chr14:23,400,335, T>A on the plus strand (A>T on the coding strand, the complement: MYH6 is on the minus strand). VCF-style: chr14-23400335-T-A. GRCh37 (hg19) VCF-style: chr14-23869544-T-A.
Other names: short protein forms E501V.
Identifiers: ClinVar variation 1462864 (VCV001462864.8), dbSNP rs2138611609, ClinGen allele CA389022646.

ClinVar aggregate classification (germline): Uncertain significance (1 of 4 stars; one submission).

Conditions:
Hypertrophic cardiomyopathy 14. Identifiers: MedGen C2750467, MONDO:0013197, OMIM 613251.

Submission:

Labcorp Genetics (formerly Invitae), Labcorp
Classification: Uncertain significance for Hypertrophic cardiomyopathy 14. Last evaluated: 2025-06-16. Review status: criteria provided, single submitter. Criteria: Invitae Variant Classification Sherloc (09022015). Collection method: clinical testing. Allele origin: germline.
Comment: This sequence change replaces glutamic acid, which is acidic and polar, with valine, which is neutral and non-polar, at codon 501 of the MYH6 protein (p.Glu501Val). This variant is not present in population databases (gnomAD no frequency). This variant has not been reported in the literature in individuals affected with MYH6-related conditions. ClinVar contains an entry for this variant (Variation ID: 1462864). Invitae Evidence Modeling of protein sequence and biophysical properties (such as structural, functional, and spatial information, amino acid conservation, physicochemical variation, residue mobility, and thermodynamic stability) indicates that this missense variant is expected to disrupt MYH6 protein function with a positive predictive value of 80%. In summary, the available evidence is currently insufficient to determine the role of this variant in disease. Therefore, it has been classified as a Variant of Uncertain Significance.